The following is an entry in ClinVar:

ClinVar aggregate classification (germline): Uncertain significance (1 of 4 stars; one submission).

Conditions:
Perlman syndrome (PRLMNS). Identifiers: Orphanet 2849, MedGen C0796113, MONDO:0009965, OMIM 267000.

Allele frequency attached by ClinVar (database versions not stated): gnomAD exomes 0.00001; gnomAD 0.00002; TOPMed 0.00003.
gnomAD v4.1: 12 of 1,611,178 alleles (0.00074%); highest among the groups gnomAD compares: Admixed American, 0.0017%; no homozygotes.

Submission:

Labcorp Genetics (formerly Invitae), Labcorp
Classification: Uncertain significance for Perlman syndrome. Last evaluated: 2024-07-30. Review status: criteria provided, single submitter. Criteria: Invitae Variant Classification Sherloc (09022015). Collection method: clinical testing. Allele origin: germline.
Comment: This sequence change replaces arginine, which is basic and polar, with glutamine, which is neutral and polar, at codon 667 of the DIS3L2 protein (p.Arg667Gln). This variant is not present in population databases (gnomAD no frequency). This variant has not been reported in the literature in individuals affected with DIS3L2-related conditions. ClinVar contains an entry for this variant (Variation ID: 410760). Advanced modeling of protein sequence and biophysical properties (such as structural, functional, and spatial information, amino acid conservation, physicochemical variation, residue mobility, and thermodynamic stability) performed at Invitae indicates that this missense variant is not expected to disrupt DIS3L2 protein function with a negative predictive value of 80%. RNA analysis performed to evaluate the impact of this missense change on mRNA splicing indicates it does not significantly alter splicing (Invitae). In summary, the available evidence is currently insufficient to determine the role of this variant in disease. Therefore, it has been classified as a Variant of Uncertain Significance.

NM_152383.5(DIS3L2):c.2000G>A (p.Arg667Gln)

Gene: DIS3L2 (DIS3 like 3'-5' exoribonuclease 2; plus strand). Cytogenetic location: 2q37.1.
Variant type: single nucleotide variant.
Coding change: c.2000G>A on transcript NM_152383.5 (MANE Select); coding-DNA position 2000, G replaced by A.
Protein change: p.Arg667Gln; replaces arginine 667 with glutamine.
Molecular consequence: missense variant. On other transcripts: non-coding transcript variant (2), intron variant (1).
Genome position (GRCh38, 1-based): chr2:232,330,766, G>A. VCF-style: chr2-232330766-G-A. GRCh37 (hg19) VCF-style: chr2-233195476-G-A.
Other names: c.1582-12579G>A (NM_001257281.2); short protein forms R667Q.
Identifiers: ClinVar variation 410760 (VCV000410760.9), dbSNP rs1060503034, ClinGen allele CA16610740.